The following is an entry in ClinVar:

NM_004588.5(SCN2B):c.295G>A (p.Val99Met)

Gene: SCN2B (sodium voltage-gated channel beta subunit 2; minus strand). Cytogenetic location: 11q23.3.
Variant type: single nucleotide variant.
Coding change: c.295G>A on transcript NM_004588.5 (MANE Select); coding-DNA position 295, G replaced by A.
Protein change: p.Val99Met; replaces valine 99 with methionine.
Molecular consequence: missense variant.
Genome position (GRCh38, 1-based): chr11:118,168,238, C>T on the plus strand (G>A on the coding strand, the complement: SCN2B is on the minus strand). VCF-style: chr11-118168238-C-T. GRCh37 (hg19) VCF-style: chr11-118038953-C-T.
Other names: short protein forms V99M.
Identifiers: ClinVar variation 666404 (VCV000666404.11), dbSNP rs772817742, ClinGen allele CA6300486.

ClinVar aggregate classification (germline): Uncertain significance. Review status: criteria provided, multiple submitters, no conflicts (2 of 4 stars). 3 submissions from 3 submitters: Uncertain significance (3). Last evaluated 2025-11-24.

Conditions:
Cardiovascular phenotype. Identifiers: MedGen CN230736.
Atrial fibrillation, familial, 14 (ATFB14). Identifiers: MedGen C3809312, MONDO:0014156, OMIM 615378.

Allele frequency attached by ClinVar (database versions not stated): gnomAD exomes below 0.00001; ExAC 0.00002; gnomAD 0.00002.
gnomAD v4.1: 34 of 1,614,072 alleles (0.0021%); highest among the groups gnomAD compares: Non-Finnish European, 0.0028%; no homozygotes.

Submissions (3):

Labcorp Genetics (formerly Invitae), Labcorp
Classification: Uncertain significance for Atrial fibrillation, familial, 14. Last evaluated: 2025-11-24. Review status: criteria provided, single submitter. Criteria: Invitae Variant Classification Sherloc (09022015). Collection method: clinical testing. Allele origin: germline.
Comment: This sequence change replaces valine, which is neutral and non-polar, with methionine, which is neutral and non-polar, at codon 99 of the SCN2B protein (p.Val99Met). This variant is present in population databases (rs772817742, gnomAD 0.006%). This missense change has been observed in individual(s) with Brugada syndrome (PMID: 28341588). ClinVar contains an entry for this variant (Variation ID: 666404). An algorithm developed to predict the effect of missense changes on protein structure and function (PolyPhen-2) suggests that this variant is likely to be disruptive. In summary, the available evidence is currently insufficient to determine the role of this variant in disease. Therefore, it has been classified as a Variant of Uncertain Significance.

Ambry Genetics
Classification: Uncertain significance for Cardiovascular phenotype. Last evaluated: 2021-10-13. Review status: criteria provided, single submitter. Criteria: Ambry Variant Classification Scheme 2023. Collection method: clinical testing. Allele origin: germline.
Comment: The p.V99M variant (also known as c.295G>A), located in coding exon 3 of the SCN2B gene, results from a G to A substitution at nucleotide position 295. The valine at codon 99 is replaced by methionine, an amino acid with highly similar properties. This variant was reported in an individual with Brugada syndrome, and segregation studies in three family members were described as supportive; however, clinical details were limited (Proost D et al. J Mol Diagn, 2017 05;19:445-459). This amino acid position is highly conserved in available vertebrate species. In addition, the in silico prediction for this alteration is inconclusive. Since supporting evidence is limited at this time, the clinical significance of this alteration remains unclear.

Fulgent Genetics
Classification: Uncertain significance for Atrial fibrillation, familial, 14. Last evaluated: 2021-10-02. Review status: criteria provided, single submitter. Criteria: ACMG Guidelines, 2015. Collection method: clinical testing. Allele origin: unknown.

Literature cited by the submitters: PubMed 28341588 (cited by Labcorp Genetics (formerly Invitae), Labcorp and Ambry Genetics); PubMed 17556197 (cited by Ambry Genetics); PubMed 30821013 (cited by Ambry Genetics).